The following is an entry in ClinVar:

ClinVar aggregate classification (germline): Conflicting classifications of pathogenicity. Review status: criteria provided, conflicting classifications (1 of 4 stars). 5 submissions from 5 submitters: Pathogenic (2); Likely pathogenic (1); Uncertain significance (1). 1 of the submissions does not count toward it. Last evaluated 2025-03-31.

Conditions:
CFTR-related disorder (CFTR-RD). Also called: CFTR-related disorders; CFTR-related condition. Identifiers: MedGen C5924204, MONDO:7770004.
Bronchiectasis with or without elevated sweat chloride 1 (BESC1). Also called: Cystic Fibrosis-Like Syndrome. Identifiers: Orphanet 60033, MedGen C2749757, MONDO:0008887, OMIM 211400.
Hereditary pancreatitis (PCTT). Also called: PRSS1-Related Hereditary Pancreatitis; Hereditary chronic pancreatitis. Identifiers: Orphanet 676, MedGen C0238339, MONDO:0008185, OMIM 167800.
Cystic fibrosis (CF). Also called: MUCOVISCIDOSIS. Identifiers: Orphanet 586, MedGen C0010674, MONDO:0009061, OMIM 219700. Disease mechanism: loss of function.
Congenital bilateral aplasia of vas deferens from CFTR mutation (CBAVD). Identifiers: Orphanet 48, MedGen C0403814, MONDO:0010178, OMIM 277180. Disease mechanism: loss of function.

Allele frequency attached by ClinVar (database versions not stated): gnomAD exomes below 0.00001.
gnomAD v4.1: 2 of 1,612,956 alleles (0.00012%); highest among the groups gnomAD compares: East Asian, 0.0045%; no homozygotes.

Submissions (5):

Natera, Inc.
Classification: Likely pathogenic for CFTR-related disorders. Last evaluated: 2025-03-31. Review status: criteria provided, single submitter. Criteria: Natera Variant Classification Schema (03/2026). Collection method: clinical testing. Allele origin: germline.
Comment: The c.1322T>C variant in CFTR is a missense variant predicted to cause substitution of leucine to proline at amino acid 441. This variant is rare in the general population with a frequency below the threshold expected for the associated phenotype(s). This variant has been observed in one or more individuals affected with the associated recessive disease, as either homozygous or compound heterozygous with a second variant (PMID: 36174992). Functional studies show that this variant may disrupt protein function (PMID: 38388235). Computational prediction algorithms indicate this variant is likely to affect gene or protein function. Given the available evidence, this variant is classified as Likely Pathogenic.

Fulgent Genetics
Classification: Pathogenic for Hereditary pancreatitis; Bronchiectasis with or without elevated sweat chloride 1; Cystic fibrosis; Congenital bilateral aplasia of vas deferens from CFTR mutation. Last evaluated: 2024-03-11. Review status: criteria provided, single submitter. Criteria: ACMG Guidelines, 2015. Collection method: clinical testing. Allele origin: germline.

Ambry Genetics
Classification: Uncertain significance for Cystic fibrosis. Last evaluated: 2023-06-16. Review status: criteria provided, single submitter. Criteria: Ambry Variant Classification Scheme 2023. Collection method: clinical testing. Allele origin: germline.
Comment: The p.L441P variant (also known as c.1322T>C), located in coding exon 10 of the CFTR gene, results from a T to C substitution at nucleotide position 1322. The leucine at codon 441 is replaced by proline, an amino acid with similar properties. This alteration has been identified with a second CFTR alteration in multiple individuals diagnosed with cystic fibrosis however phase was not determined (Kim HY et al. Allergy Asthma Immunol Res, 2022 Sep;14:494-504). In functional studies, this variant was shown to decrease CFTR maturation/processing and failed to activate the chloride currents compared to the wild-type CFTR (Gee HY et al. J Korean Med Sci, 2010 Jan;25:166-71; Kim HY et al. Allergy Asthma Immunol Res, 2022 Sep;14:494-504). This amino acid position is highly conserved in available vertebrate species. In addition, this alteration is predicted to be deleterious by in silico analysis. Since supporting evidence is limited at this time, the clinical significance of this alteration remains unclear.

Women's Health and Genetics/Laboratory Corporation of America, LabCorp
Classification: Pathogenic for Cystic fibrosis. Last evaluated: 2023-01-30. Review status: criteria provided, single submitter. Criteria: LabCorp Variant Classification Summary - May 2015. Collection method: clinical testing. Allele origin: germline.
Comment: Variant summary: CFTR c.1322T>C (p.Leu441Pro) results in a non-conservative amino acid change located in the ABC transporter-like, ATP-binding domain (IPR003439) of the encoded protein sequence. Five of five in-silico tools predict a damaging effect of the variant on protein function. The variant allele was found at a frequency of 4.1e-06 in 241482 control chromosomes (gnomAD). c.1322T>C has been reported in the literature in multiple individuals affected with Cystic Fibrosis, primarily of Korean ancestry (e.g. Gee_2010, Schrijver_2016, Kim_2022). These data indicate that the variant is likely to be associated with disease. Multiple publications report experimental evidence evaluating an impact on protein function (e.g. Gee_2010, Shishido_2020, Kim_2022). These results showed that the variant results in a decreased efficiency in protein folding and that the protein is found almost exclusively in the ER core-glycosylated immature form, indicating a defect in the ER-to-Golgi trafficking of the secretory pathway of membrane protein. Indeed, while the WT CFTR protein is located on the plasma membrane, immunostaining showed the L441P mutant is localized to the ER, and cAMP treatment failed to activate the Cl- currents in cells transfected with the mutant protein (Gee_2010). No clinical diagnostic laboratories have submitted clinical-significance assessments for this variant to ClinVar after 2014. Based on the evidence outlined above, the variant was classified as pathogenic.

ClinVar Staff, National Center for Biotechnology Information (NCBI)
No classification provided. Condition: CFTR-related disorders. Review status: no classification provided. Collection method: literature only. Allele origin: germline. Affected: yes. Not counted in ClinVar's aggregate classification.

Literature cited by the submitters: PubMed 36174992 (cited by 3 submitters); PubMed 38388235 (cited by Natera, Inc.); PubMed 20052366 (cited by 3 submitters); PubMed 31136843 (cited by Ambry Genetics); PubMed 26708955 (cited by Women's Health and Genetics/Laboratory Corporation of America, LabCorp); PubMed 32848127 (cited by Women's Health and Genetics/Laboratory Corporation of America, LabCorp).

NM_000492.4(CFTR):c.1322T>C (p.Leu441Pro)

Genes: CFTR (CF transmembrane conductance regulator; plus strand), CFTR-AS1 (CFTR antisense RNA 1; minus strand). Cytogenetic location: 7q31.2.
Variant type: single nucleotide variant.
Coding change: c.1322T>C on transcript NM_000492.4 (MANE Select); coding-DNA position 1322, T replaced by C.
Protein change: p.Leu441Pro; replaces leucine 441 with proline.
Molecular consequence: missense variant.
Genome position (GRCh38, 1-based): chr7:117,548,753, T>C. VCF-style: chr7-117548753-T-C. GRCh37 (hg19) VCF-style: chr7-117188807-T-C.
Other names: short protein forms L441P.
Identifiers: ClinVar variation 53228 (VCV000053228.8), dbSNP rs397508188, ClinGen allele CA326452.